The following is an entry in ClinVar:

ClinVar aggregate classification (germline): Likely pathogenic (1 of 4 stars; one submission).

Conditions:
Leber congenital amaurosis 13 (LCA13). Identifiers: MedGen C2675186, MONDO:0012990, OMIM 612712.

Allele frequency attached by ClinVar (database versions not stated): gnomAD exomes below 0.00001.
gnomAD v4.1: 1 of 1,612,852 alleles (0.000062%); no homozygotes.

Submission:

Labcorp Genetics (formerly Invitae), Labcorp
Classification: Likely pathogenic for Leber congenital amaurosis 13. Last evaluated: 2021-10-14. Review status: criteria provided, single submitter. Criteria: Invitae Variant Classification Sherloc (09022015). Collection method: clinical testing. Allele origin: germline.
Comment: In summary, the currently available evidence indicates that the variant is pathogenic, but additional data are needed to prove that conclusively. Therefore, this variant has been classified as Likely Pathogenic. Algorithms developed to predict the effect of sequence changes on RNA splicing suggest that this variant may disrupt the consensus splice site. This variant has not been reported in the literature in individuals affected with RDH12-related conditions. This variant is not present in population databases (ExAC no frequency). This sequence change affects an acceptor splice site in intron 7 of the RDH12 gene. It is expected to disrupt RNA splicing. Variants that disrupt the donor or acceptor splice site typically lead to a loss of protein function (PMID: 16199547), and loss-of-function variants in RDH12 are known to be pathogenic (PMID: 17964524, 22065924).

Literature cited by the submitters: PubMed 16199547; PubMed 17964524; PubMed 22065924.

NM_152443.3(RDH12):c.659-2A>C

Genes: RDH12 (retinol dehydrogenase 12; plus strand), GPHN (gephyrin; plus strand), ZFYVE26 (zinc finger FYVE-type containing 26; minus strand). Cytogenetic location: 14q24.1.
Variant type: single nucleotide variant.
Coding change: c.659-2A>C on transcript NM_152443.3 (MANE Select); the canonical splice acceptor site of the intron before coding-DNA position 659, A replaced by C.
Molecular consequence: splice acceptor variant.
Genome position (GRCh38, 1-based): chr14:67,729,189, A>C. VCF-style: chr14-67729189-A-C. GRCh37 (hg19) VCF-style: chr14-68195906-A-C.
Identifiers: ClinVar variation 1523328 (VCV001523328.6), dbSNP rs2038231425, ClinGen allele CA390152853.